The following is an entry in ClinVar:

NM_001349884.2(DRAM2):c.200-2_211del

Gene: DRAM2 (DNA damage regulated autophagy modulator 2; minus strand). Cytogenetic location: 1p13.3.
Variant type: Deletion.
Coding change: c.200-2_211del on transcript NM_001349884.2 (MANE Select); the canonical splice acceptor site of the intron before coding-DNA position 200 through coding-DNA position 211, 14 bases deleted (AGGCATTGCTACCA).
Molecular consequence: splice acceptor variant. On other transcripts: intron variant (7).
Genome position (GRCh38, 1-based): chr1:111,124,870-111,124,883, TGGTAGCAATGCCT deleted on the plus strand (AGGCATTGCTACCA on the coding strand, the reverse complement: DRAM2 is on the minus strand). VCF-style (leftmost placement, unchanged base first): chr1-111124869-ATGGTAGCAATGCCT-A. GRCh37 (hg19) VCF-style: chr1-111667491-ATGGTAGCAATGCCT-A.
Other names: c.200-2_211del (NM_001349885.2, NM_178454.6, NM_001349882.2 and 1 more transcripts); c.-52+1344_-52+1357del (NM_001349889.2, NM_001349890.2, NM_001349892.2 and 1 more transcripts); c.41+1344_41+1357del (NM_001349887.2, NM_001349886.2, NM_001349888.2); c.-219-2_-208del (NM_001349891.2).
Identifiers: ClinVar variation 1518344 (VCV001518344.7), dbSNP rs771765839, ClinGen allele CA1001895.
Genomic context (GRCh38, chr1:111,124,869, plus strand): 5'-AATTTGATGATAACGTTCTCTTCAGGACTCAGAGCATGAACTTGCTTATAACGAACATAA[ATGGTAGCAATGCCT>A]GGGAAAAGATAATCCAAAAAACAACAAAGTAATAAATAATCAAGAAATAAAGTTGCCAAT-3'

ClinVar aggregate classification (germline): Likely pathogenic. Review status: criteria provided, multiple submitters, no conflicts (2 of 4 stars). 2 submissions from 2 submitters: Likely pathogenic (2). Last evaluated 2022-01-18.

Conditions:
DRAM2-related disorder. Also called: DRAM2-related condition.

Allele frequency attached by ClinVar (database versions not stated): TOPMed below 0.00001; ExAC 0.00001; gnomAD 0.00001; gnomAD exomes 0.00001 and 0.00002.

Submissions (2):

Blueprint Genetics
Classification: Likely pathogenic for DRAM2-related disorders. Last evaluated: 2022-01-18. Review status: criteria provided, single submitter. Criteria: ACMG Guidelines, 2015. Collection method: clinical testing. Allele origin: germline. Affected: yes. Observed: 2 variant alleles.

Labcorp Genetics (formerly Invitae), Labcorp
Classification: Likely pathogenic. Last evaluated: 2021-08-26. Review status: criteria provided, single submitter. Criteria: Invitae Variant Classification Sherloc (09022015). Collection method: clinical testing. Allele origin: germline.
Comment: In summary, the currently available evidence indicates that the variant is pathogenic, but additional data are needed to prove that conclusively. Therefore, this variant has been classified as Likely Pathogenic. Algorithms developed to predict the effect of sequence changes on RNA splicing suggest that this variant may disrupt the consensus splice site. This variant has not been reported in the literature in individuals affected with DRAM2-related conditions. The frequency data for this variant in the population databases is considered unreliable, as metrics indicate poor data quality at this position in the ExAC database. This variant results in the deletion of part of exon 5 (c.200-2_211del) of the DRAM2 gene. It is expected to disrupt RNA splicing. Variants that disrupt the donor or acceptor splice site typically lead to a loss of protein function (PMID: 16199547), and loss-of-function variants in DRAM2 are known to be pathogenic (PMID: 25983245).

Literature cited by the submitters: PubMed 16199547 (cited by Labcorp Genetics (formerly Invitae), Labcorp); PubMed 25983245 (cited by Labcorp Genetics (formerly Invitae), Labcorp).